The following is an entry in ClinVar:

NM_015978.3(TNNI3K):c.2153A>G (p.Lys718Arg)

Genes: TNNI3K (TNNI3 interacting kinase; plus strand), FPGT-TNNI3K (FPGT-TNNI3K readthrough; plus strand), LRRC53 (leucine rich repeat containing 53; minus strand). Cytogenetic location: 1p31.1.
Variant type: single nucleotide variant.
Coding change: c.2153A>G on transcript NM_015978.3 (MANE Select); coding-DNA position 2153, A replaced by G.
Protein change: p.Lys718Arg; replaces lysine 718 with arginine.
Molecular consequence: missense variant. On other transcripts: intron variant (2).
Genome position (GRCh38, 1-based): chr1:74,489,220, A>G. VCF-style: chr1-74489220-A-G. GRCh37 (hg19) VCF-style: chr1-74954904-A-G.
Other names: c.2456A>G, p.Lys819Arg (NM_001112808.3); c.-8-8252T>C (NM_001364666.2); c.-26-5845T>C (NM_001382280.1); short protein forms K819R, K718R.
Identifiers: ClinVar variation 4711093 (VCV004711093.1).
Genomic context (GRCh38, chr1:74,489,220, plus strand): 5'-GGGAAAAAAGTTCTTTTTTCTATTTACAGGGAAGACCCGAATTTTCTGAAGTTGTCATGA[A>G]GTTAGAAGAGTGTCTCTGCAACATTGAGGTAAAAGCTTTAGCTTCTGAAATATGTCCATA-3'
Protein context (NP_057062.1, residues 708-728): GRPEFSEVVM[Lys718Arg]LEECLCNIEL

ClinVar aggregate classification (germline): Uncertain significance (1 of 4 stars; one submission).

gnomAD v4.1: 4 of 1,612,308 alleles (0.00025%); highest among the groups gnomAD compares: South Asian, 0.0044%; no homozygotes.

Submission:

Labcorp Genetics (formerly Invitae), Labcorp
Classification: Uncertain significance. Last evaluated: 2025-07-27. Review status: criteria provided, single submitter. Criteria: Invitae Variant Classification Sherloc (09022015). Collection method: clinical testing. Allele origin: germline.
Comment: This sequence change replaces lysine, which is basic and polar, with arginine, which is basic and polar, at codon 718 of the TNNI3K protein (p.Lys718Arg). The frequency data for this variant in the population databases is considered unreliable, as metrics indicate poor data quality at this position in the gnomAD database. This variant has not been reported in the literature in individuals affected with TNNI3K-related conditions. An algorithm developed to predict the effect of missense changes on protein structure and function outputs the following: PolyPhen-2: "Benign". The arginine amino acid residue is found in multiple mammalian species, which suggests that this missense change does not adversely affect protein function. In summary, the available evidence is currently insufficient to determine the role of this variant in disease. Therefore, it has been classified as a Variant of Uncertain Significance.